The following is an entry in ClinVar:

NM_024911.7(WLS):c.138_169dup (p.His57delinsArgArgTer)

Genes: GNG12-AS1 (GNG12, DIRAS3 and WLS antisense RNA 1; plus strand), WLS (Wnt ligand secretion mediator; minus strand). Cytogenetic location: 1p31.3.
Variant type: Duplication.
Coding change: c.138_169dup on transcript NM_024911.7 (MANE Select); coding-DNA positions 138 to 169, 32 bases duplicated.
Protein change: p.His57delinsArgArgTer.
Molecular consequence: nonsense. On other transcripts: intron variant (1).
Genome position (GRCh38, 1-based): chr1:68,194,165-68,194,196, 32 bases duplicated. GRCh37 (hg19): chr1:68,659,848-68,659,879.
Other names: c.132_163dup, p.His55delinsArgArgTer (NM_001002292.4); c.107-34949_107-34918dup (NM_001193334.1).
Identifiers: ClinVar variation 3030845 (VCV003030845.2), dbSNP rs2524324393, ClinGen allele CA2740090751.

ClinVar aggregate classification (germline): Uncertain significance (0 of 4 stars; one submission).

Conditions:
WLS-related disorder. Also called: WLS-related condition.

Submission:

PreventionGenetics, part of Exact Sciences
Classification: Uncertain significance for WLS-related condition. Last evaluated: 2023-12-26. Review status: no assertion criteria provided. Collection method: clinical testing. Allele origin: germline.
Comment: The WLS c.132_163dup32 variant is predicted to result in a frameshift and premature protein termination (p.His55Argfs*3). To our knowledge, this variant has not been reported in the literature or in a large population database, indicating this variant is rare. To date, frameshift or other loss of function variants in WLS have not been reported in the literature. Although we suspect that this variant may be pathogenic, at this time, the clinical significance of this variant is uncertain due to the absence of conclusive functional and genetic evidence.